The following is an entry in ClinVar:

NM_006440.5(TXNRD2):c.620C>T (p.Thr207Ile)

Gene: TXNRD2 (thioredoxin reductase 2; minus strand). Cytogenetic location: 22q11.21.
Variant type: single nucleotide variant.
Coding change: c.620C>T on transcript NM_006440.5 (MANE Select); coding-DNA position 620, C replaced by T.
Protein change: p.Thr207Ile; replaces threonine 207 with isoleucine.
Molecular consequence: missense variant. On other transcripts: non-coding transcript variant (1).
Genome position (GRCh38, 1-based): chr22:19,911,419, G>A on the plus strand (C>T on the coding strand, the complement: TXNRD2 is on the minus strand). VCF-style: chr22-19911419-G-A. GRCh37 (hg19) VCF-style: chr22-19898942-G-A.
Other names: c.620C>T, p.Thr207Ile (NM_001282512.3); c.617C>T, p.Thr206Ile (NM_001352300.2); c.530C>T, p.Thr177Ile (NM_001352301.2); c.332C>T, p.Thr111Ile (NM_001352302.2); c.524C>T, p.Thr175Ile (NM_001352303.2); short protein forms T175I, T207I, T111I, T177I, T206I.
Identifiers: ClinVar variation 2564292 (VCV002564292.2), dbSNP rs1334948231, ClinGen allele CA410691368.

ClinVar aggregate classification (germline): Uncertain significance (1 of 4 stars; one submission).

Conditions:
Cardiovascular phenotype. Identifiers: MedGen CN230736.

Allele frequency attached by ClinVar (database versions not stated): gnomAD exomes below 0.00001.
gnomAD v4.1: 6 of 1,614,068 alleles (0.00037%); highest among the groups gnomAD compares: East Asian, 0.0022%; no homozygotes.

Submission:

Ambry Genetics
Classification: Uncertain significance for Cardiovascular phenotype. Last evaluated: 2023-05-21. Review status: criteria provided, single submitter. Criteria: Ambry Variant Classification Scheme 2023. Collection method: clinical testing. Allele origin: germline.
Comment: The p.T207I variant (also known as c.620C>T), located in coding exon 8 of the TXNRD2 gene, results from a C to T substitution at nucleotide position 620. The threonine at codon 207 is replaced by isoleucine, an amino acid with similar properties. This amino acid position is conserved. In addition, this alteration is predicted to be deleterious by in silico analysis. Since supporting evidence is limited at this time, the clinical significance of this alteration remains unclear.